The following is an entry in ClinVar:

NM_000321.3(RB1):c.305_306del (p.Cys102fs)

Gene: RB1 (RB transcriptional corepressor 1; plus strand). Cytogenetic location: 13q14.2.
Variant type: Deletion.
Coding change: c.305_306del on transcript NM_000321.3 (MANE Select); coding-DNA positions 305 to 306, 2 bases deleted (GT; older notation c.305_306delGT).
Protein change: p.Cys102fs; shifts the reading frame from cysteine 102.
Molecular consequence: frameshift variant.
Genome position (GRCh38, 1-based): chr13:48,342,639-48,342,640, GT deleted; deleting any 2 consecutive bases within chr13:48,342,638-48,342,640 gives the same sequence; the c. name uses the placement nearest the transcript's 3' end. VCF-style (leftmost placement, unchanged base first): chr13-48342637-CTG-C. GRCh37 (hg19) VCF-style: chr13-48916773-CTG-C.
Other names: L11910:g.39486_39487delGT; L11910:g.39485_39486delTG; c.305_306delGT (NM_000321.3); short protein forms C102fs.
Identifiers: ClinVar variation 126809 (VCV000126809.9), dbSNP rs587778825, ClinGen allele CA026448.

ClinVar aggregate classification (germline): Pathogenic. Review status: criteria provided, single submitter (1 of 4 stars). 3 submissions from 2 submitters: Pathogenic (1). 2 of the submissions do not count toward it. Last evaluated 2024-03-02.
ClinVar aggregate classification (oncogenicity): Likely oncogenic (1 of 4 stars; one submission).

Conditions:
Retinoblastoma (RB1). Also called: RETINOBLASTOMA, SOMATIC. Identifiers: Orphanet 790, MedGen C0035335, MeSH D012175, MONDO:0008380, OMIM 180200, HP:0009919. Disease mechanism: loss of function. Inheritance: Both sporadic and heritable forms are tested..
Neoplasm. Also called: Neoplasms; Neoplasm (disease); tumor. Identifiers: MedGen C0027651, MeSH D009369, MONDO:0005070, HP:0002664.

Submissions (4):

Center for Genomic Medicine, Rigshospitalet, Copenhagen University Hospital
Classification: Likely oncogenic for Neoplasm. Last evaluated: 2025-03-04. Review status: criteria provided, single submitter. Criteria: ClinGen/CGC/VICC Guidelines for Oncogenicity, 2022. Collection method: clinical testing. Allele origin: somatic. Affected: yes.

Labcorp Genetics (formerly Invitae), Labcorp
Classification: Pathogenic for Retinoblastoma. Last evaluated: 2024-03-02. Review status: criteria provided, single submitter. Criteria: Invitae Variant Classification Sherloc (09022015). Collection method: clinical testing. Allele origin: germline.
Comment: This sequence change creates a premature translational stop signal (p.Cys102Tyrfs*7) in the RB1 gene. It is expected to result in an absent or disrupted protein product. Loss-of-function variants in RB1 are known to be pathogenic (PMID: 17096365). This variant is not present in population databases (gnomAD no frequency). This premature translational stop signal has been observed in individual(s) with bilateral retinoblastoma (PMID: 7795591). This variant is also known as 102delGT. ClinVar contains an entry for this variant (Variation ID: 126809). For these reasons, this variant has been classified as Pathogenic.

Genetic Diagnostic Laboratory, University of Pennsylvania School of Medicine
Classification: Pathogenic for Retinoblastoma. Last evaluated: 2013-09-16. Review status: no assertion criteria provided. Collection method: research. Allele origin: somatic. Affected: yes. Not counted in ClinVar's aggregate classification.

Genetic Diagnostic Laboratory, University of Pennsylvania School of Medicine
Classification: Pathogenic for Retinoblastoma. Last evaluated: 2013-09-16. Review status: flagged submission. Collection method: clinical testing. Allele origin: somatic. Affected: yes. Not counted in ClinVar's aggregate classification.
ClinVar note: Reason: This record appears to be redundant with a more recent record from the same submitter.
ClinVar note: Notes: SCV000087383 appears to be redundant with SCV000087343.

Literature cited by the submitters: PubMed 7795591 (cited by Center for Genomic Medicine, Rigshospitalet, Copenhagen University Hospital and Labcorp Genetics (formerly Invitae), Labcorp); PubMed 17096365 (cited by Labcorp Genetics (formerly Invitae), Labcorp).